The following is an entry in ClinVar:

NM_006734.4(HIVEP2):c.5753A>T (p.Glu1918Val)

Gene: HIVEP2 (HIVEP zinc finger 2; minus strand). Cytogenetic location: 6q24.2.
Variant type: single nucleotide variant.
Coding change: c.5753A>T on transcript NM_006734.4 (MANE Select); coding-DNA position 5753, A replaced by T.
Protein change: p.Glu1918Val; replaces glutamic acid 1918 with valine.
Molecular consequence: missense variant.
Genome position (GRCh38, 1-based): chr6:142,760,535, T>A on the plus strand (A>T on the coding strand, the complement: HIVEP2 is on the minus strand). VCF-style: chr6-142760535-T-A. GRCh37 (hg19) VCF-style: chr6-143081672-T-A.
Other names: short protein forms E1918V.
Identifiers: ClinVar variation 3899720 (VCV003899720.2).

ClinVar aggregate classification (germline): Uncertain significance (1 of 4 stars; one submission).

Submission:

GeneDx
Classification: Uncertain significance. Last evaluated: 2025-07-01. Review status: criteria provided, single submitter. Criteria: GeneDx Variant Classification Process June 2021. Collection method: clinical testing. Allele origin: germline.
Comment: Not observed at significant frequency in large population cohorts (gnomAD); In silico analysis supports that this missense variant has a deleterious effect on protein structure/function; Has not been previously published as pathogenic or benign to our knowledge